The following is an entry in ClinVar:

ClinVar aggregate classification (germline): Uncertain significance. Review status: criteria provided, multiple submitters, no conflicts (2 of 4 stars). 2 submissions from 2 submitters: Uncertain significance (2). Last evaluated 2025-09-08.

Conditions:
Hereditary cancer-predisposing syndrome. Also called: Tumor predisposition; Hereditary Cancer Syndrome; Hereditary neoplastic syndrome; Neoplastic Syndromes, Hereditary. Identifiers: Orphanet 140162, MedGen C0027672, MeSH D009386, MONDO:0015356.
Melanoma, cutaneous malignant, susceptibility to, 8. Also called: Cutaneous malignant melanoma 8; MELANOMA AND RENAL CELL CARCINOMA, SUSCEPTIBILITY TO. Identifiers: Orphanet 293822, MedGen C3152204, MONDO:0013759, OMIM 614456.
Tietz syndrome (TADS). Also called: HYPOPIGMENTATION/DEAFNESS OF TIETZ; TIETZ ALBINISM-DEAFNESS SYNDROME; ALBINISM-DEAFNESS OF TIETZ. Identifiers: Orphanet 42665, MedGen C0391816, MONDO:0007077, OMIM 103500.
Waardenburg syndrome type 2A (WS2A). Also called: WAARDENBURG SYNDROME WITHOUT DYSTOPIA CANTHORUM. Identifiers: Orphanet 3440, MedGen C1860339, MONDO:0008671, OMIM 193510.

gnomAD v4.1: 2 of 1,614,144 alleles (0.00012%); highest among the groups gnomAD compares: Middle Eastern, 0.016%; no homozygotes.

Submissions (2):

Labcorp Genetics (formerly Invitae), Labcorp
Classification: Uncertain significance for Melanoma, cutaneous malignant, susceptibility to, 8; Waardenburg syndrome type 2A; Tietz syndrome. Last evaluated: 2025-09-08. Review status: criteria provided, single submitter. Criteria: Invitae Variant Classification Sherloc (09022015). Collection method: clinical testing. Allele origin: germline.
Comment: This sequence change replaces isoleucine, which is neutral and non-polar, with valine, which is neutral and non-polar, at codon 348 of the MITF protein (p.Ile348Val). This variant is not present in population databases (gnomAD no frequency). This variant has not been reported in the literature in individuals affected with MITF-related conditions. ClinVar contains an entry for this variant (Variation ID: 3749283). Invitae Evidence Modeling of protein sequence and biophysical properties (such as structural, functional, and spatial information, amino acid conservation, physicochemical variation, residue mobility, and thermodynamic stability) indicates that this missense variant is not expected to disrupt MITF protein function with a negative predictive value of 80%. In summary, the available evidence is currently insufficient to determine the role of this variant in disease. Therefore, it has been classified as a Variant of Uncertain Significance.

Ambry Genetics
Classification: Uncertain significance for Hereditary cancer-predisposing syndrome. Last evaluated: 2024-12-15. Review status: criteria provided, single submitter. Criteria: Ambry Variant Classification Scheme 2023. Collection method: clinical testing. Allele origin: germline.
Comment: The p.I348V variant (also known as c.1042A>G), located in coding exon 9 of the MITF gene, results from an A to G substitution at nucleotide position 1042. The isoleucine at codon 348 is replaced by valine, an amino acid with highly similar properties. This amino acid position is conserved. In addition, this alteration is predicted to be tolerated by in silico analysis. Based on the available evidence, the clinical significance of this variant remains unclear.

NM_001354604.2(MITF):c.1363A>G (p.Ile455Val)

Gene: MITF (melanocyte inducing transcription factor; plus strand). Cytogenetic location: 3p13.
Variant type: single nucleotide variant.
Coding change: c.1363A>G on transcript NM_001354604.2 (MANE Select); coding-DNA position 1363, A replaced by G.
Protein change: p.Ile455Val; replaces isoleucine 455 with valine.
Molecular consequence: missense variant.
Genome position (GRCh38, 1-based): chr3:69,965,030, A>G. VCF-style: chr3-69965030-A-G. GRCh37 (hg19) VCF-style: chr3-70014181-A-G.
Other names: c.1024A>G, p.Ile342Val (NM_198158.3); c.1345A>G, p.Ile449Val (NM_198159.3); c.1297A>G, p.Ile433Val (NM_198177.3); c.856A>G, p.Ile286Val (NM_198178.3); c.1042A>G, p.Ile348Val (NM_000248.4); c.1189A>G, p.Ile397Val (NM_001184967.2, NM_001354608.2); c.1360A>G, p.Ile454Val (NM_001354605.2); c.1342A>G, p.Ile448Val (NM_001354606.2, NM_006722.3); and 1 more; short protein forms I286V, I342V, I348V, I397V, I432V, I433V, I448V, I449V.
Identifiers: ClinVar variation 3749283 (VCV003749283.3).
Genomic context (GRCh38, chr3:69,965,030, plus strand): 5'-CTCCTTCAGCATCATGCAGACCTAACCTGTACAACAACTCTCGATCTCACGGATGGCACC[A>G]TCACCTTCAACAACAACCTCGGAACTGGGACTGAGGCCAACCAAGCCTATAGTGTCCCCA-3'
Protein context (NP_001341533.1, residues 445-465): TTTLDLTDGT[Ile455Val]TFNNNLGTGT